The following is an entry in ClinVar:

ClinVar aggregate classification (germline): Benign (1 of 4 stars; one submission).

Allele frequency attached by ClinVar (database versions not stated): gnomAD 0.66031 and 0.66548; TOPMed 0.67275; 1000 Genomes Project 30x 0.74672; 1000 Genomes Project 0.75000.
gnomAD v4.1: 100,852 of 151,724 alleles (66%); highest among the groups gnomAD compares: East Asian, 95%; 33,863 homozygotes.

Submission:

GeneDx
Classification: Benign. Last evaluated: 2018-06-18. Review status: criteria provided, single submitter. Criteria: GeneDx Variant Classification (06012015). Collection method: clinical testing. Allele origin: germline. Affected: yes.
Comment: This variant is considered likely benign or benign based on one or more of the following criteria: it is a conservative change, it occurs at a poorly conserved position in the protein, it is predicted to be benign by multiple in silico algorithms, and/or has population frequency not consistent with disease.

NM_012463.4(ATP6V0A2):c.732-287C>T

Gene: ATP6V0A2 (ATPase H+ transporting V0 subunit a2; plus strand). Cytogenetic location: 12q24.31.
Variant type: single nucleotide variant.
Coding change: c.732-287C>T on transcript NM_012463.4 (MANE Select); 287 bases into the intron before coding-DNA position 732, C replaced by T.
Molecular consequence: intron variant.
Genome position (GRCh38, 1-based): chr12:123,735,244, C>T. VCF-style: chr12-123735244-C-T. GRCh37 (hg19) VCF-style: chr12-124219791-C-T.
Identifiers: ClinVar variation 683167 (VCV000683167.1), dbSNP rs10773030, ClinGen allele CA15767998.